The following is an entry in ClinVar:

ClinVar aggregate classification (germline): Uncertain significance. Review status: criteria provided, multiple submitters, no conflicts (2 of 4 stars). 2 submissions from 2 submitters: Uncertain significance (2). Last evaluated 2025-08-27.

Conditions:
Hereditary cancer-predisposing syndrome. Also called: Neoplastic Syndromes, Hereditary; Tumor predisposition; Hereditary Cancer Syndrome; Hereditary neoplastic syndrome. Identifiers: Orphanet 140162, MedGen C0027672, MeSH D009386, MONDO:0015356.
Familial adenomatous polyposis 2. Also called: FAP type 2; COLORECTAL ADENOMATOUS POLYPOSIS, AUTOSOMAL RECESSIVE; ADENOMAS, MULTIPLE COLORECTAL, AUTOSOMAL RECESSIVE; MYH-associated polyposis; Adenomas, multiple colorectal; MUTYH-associated polyposis. Identifiers: Orphanet 220460, Orphanet 247798, MedGen C3272841, MONDO:0012041, OMIM 608456.

Submissions (2):

Ambry Genetics
Classification: Uncertain significance for Hereditary cancer-predisposing syndrome. Last evaluated: 2025-08-27. Review status: criteria provided, single submitter. Criteria: Ambry Variant Classification Scheme 2023. Collection method: clinical testing. Allele origin: germline.
Comment: The p.A143G variant (also known as c.428C>G), located in coding exon 5 of the MUTYH gene, results from a C to G substitution at nucleotide position 428. The alanine at codon 143 is replaced by glycine, an amino acid with similar properties. This amino acid position is conserved. In addition, the in silico prediction for this alteration is inconclusive. Based on the available evidence, the clinical significance of this variant remains unclear.

Labcorp Genetics (formerly Invitae), Labcorp
Classification: Uncertain significance for Familial adenomatous polyposis 2. Last evaluated: 2024-04-24. Review status: criteria provided, single submitter. Criteria: Invitae Variant Classification Sherloc (09022015). Collection method: clinical testing. Allele origin: germline.
Comment: This sequence change replaces alanine, which is neutral and non-polar, with glycine, which is neutral and non-polar, at codon 143 of the MUTYH protein (p.Ala143Gly). This variant is not present in population databases (gnomAD no frequency). This variant has not been reported in the literature in individuals affected with MUTYH-related conditions. An algorithm developed to predict the effect of missense changes on protein structure and function (PolyPhen-2) suggests that this variant is likely to be disruptive. In summary, the available evidence is currently insufficient to determine the role of this variant in disease. Therefore, it has been classified as a Variant of Uncertain Significance.

NM_001048174.2(MUTYH):c.344C>G (p.Ala115Gly)

Gene: MUTYH (mutY DNA glycosylase; minus strand). Cytogenetic location: 1p34.1.
Variant type: single nucleotide variant.
Coding change: c.344C>G on transcript NM_001048174.2 (MANE Select); coding-DNA position 344, C replaced by G.
Protein change: p.Ala115Gly; replaces alanine 115 with glycine.
Molecular consequence: missense variant. On other transcripts: non-coding transcript variant (6), intron variant (3).
Genome position (GRCh38, 1-based): chr1:45,333,131, G>C on the plus strand (C>G on the coding strand, the complement: MUTYH is on the minus strand). VCF-style: chr1-45333131-G-C. GRCh37 (hg19) VCF-style: chr1-45798803-G-C.
Other names: c.344C>G, p.Ala115Gly (NM_001048171.2, NM_001048173.2, NM_001293195.2 and 6 more transcripts); c.347C>G, p.Ala116Gly (NM_001048172.2, NM_001407071.1, NM_001407078.1 and 2 more transcripts); c.428C>G, p.Ala143Gly (NM_001128425.2); c.389C>G, p.Ala130Gly (NM_001293190.2); c.377C>G, p.Ala126Gly (NM_001293191.2, NM_001407077.1); c.68C>G, p.Ala23Gly (NM_001293192.2, NM_001293196.2, NM_001407091.1); c.419C>G, p.Ala140Gly (NM_001407069.1, NM_012222.3); c.386C>G, p.Ala129Gly (NM_001407073.1, NM_001407083.1, NM_001407085.1); and 3 more; short protein forms A116G, A126G, A115G, A130G, A140G, A129G, A143G, A23G.
Identifiers: ClinVar variation 3650766 (VCV003650766.3).